The following is an entry in ClinVar:

NC_000023.10:g.(?_32235013)_(32305838_?)dup

Gene: DMD (dystrophin; minus strand). Cytogenetic location: Xp21.1.
Variant type: Duplication.
Identifiers: ClinVar variation 1411040 (VCV001411040.7).

ClinVar aggregate classification (germline): Uncertain significance (1 of 4 stars; one submission).

Conditions:
Duchenne muscular dystrophy (DMD). Also called: MUSCULAR DYSTROPHY, PSEUDOHYPERTROPHIC PROGRESSIVE, DUCHENNE TYPE; Duchenne Muscular Dystrophy (DMD). Identifiers: Orphanet 98896, MedGen C0013264, MONDO:0010679, OMIM 310200.

Submission:

Labcorp Genetics (formerly Invitae), Labcorp
Classification: Uncertain significance for Duchenne muscular dystrophy. Last evaluated: 2021-06-26. Review status: criteria provided, single submitter. Criteria: Invitae Variant Classification Sherloc (09022015). Collection method: clinical testing. Allele origin: germline.
Comment: In summary, the available evidence is currently insufficient to determine the role of this variant in disease. Therefore, it has been classified as a Variant of Uncertain Significance. This variant has been observed in individual(s) with Duchenne or Becker muscular dystrophy (PMID: 18403565). This variant results in a copy number gain of the genomic region encompassing exon(s) 43-44 of the DMD gene. While the exact position of this variant cannot be determined from the data, sub-genic copy number gains are generally in tandem (PMID: 25640679). This variant is predicted to be in-frame, and likely preserves the integrity of the reading frame.

Literature cited by the submitters: PubMed 18403565; PubMed 25640679.